The following is an entry in ClinVar:

ClinVar aggregate classification (germline): Uncertain significance (1 of 4 stars; one submission).

Conditions:
Ataxia-telangiectasia syndrome (AT). Also called: Ataxia-telangiectasia, complementation group D; AT, COMPLEMENTATION GROUP C; ATAXIA-TELANGIECTASIA, COMPLEMENTATION GROUP A; ATAXIA-TELANGIECTASIA, FRESNO VARIANT; Ataxia-telangiectasia; Cerebello-oculocutaneous telangiectasia. Identifiers: Orphanet 100, MedGen C0004135, MONDO:0008840, OMIM 208900.

Submission:

Labcorp Genetics (formerly Invitae), Labcorp
Classification: Uncertain significance for Ataxia-telangiectasia syndrome. Last evaluated: 2020-06-16. Review status: criteria provided, single submitter. Criteria: Invitae Variant Classification Sherloc (09022015). Collection method: clinical testing. Allele origin: germline.
Comment: In summary, the available evidence is currently insufficient to determine the role of this variant in disease. Therefore, it has been classified as a Variant of Uncertain Significance. Algorithms developed to predict the effect of missense changes on protein structure and function (SIFT, PolyPhen-2, Align-GVGD) all suggest that this variant is likely to be disruptive, but these predictions have not been confirmed by published functional studies and their clinical significance is uncertain. This variant has not been reported in the literature in individuals with ATM-related conditions. This variant is not present in population databases (ExAC no frequency). This sequence change replaces leucine with glutamine at codon 1809 of the ATM protein (p.Leu1809Gln). The leucine residue is highly conserved and there is a moderate physicochemical difference between leucine and glutamine.

NM_000051.4(ATM):c.5426T>A (p.Leu1809Gln)

Gene: ATM (ATM serine/threonine kinase; plus strand). Cytogenetic location: 11q22.3.
Variant type: single nucleotide variant.
Coding change: c.5426T>A on transcript NM_000051.4 (MANE Select); coding-DNA position 5426, T replaced by A.
Protein change: p.Leu1809Gln; replaces leucine 1809 with glutamine.
Molecular consequence: missense variant.
Genome position (GRCh38, 1-based): chr11:108,302,959, T>A. VCF-style: chr11-108302959-T-A. GRCh37 (hg19) VCF-style: chr11-108173686-T-A.
Other names: c.5426T>A, p.Leu1809Gln (NM_001351834.2); short protein forms L1809Q.
Identifiers: ClinVar variation 1004132 (VCV001004132.8), dbSNP rs2083504168, ClinGen allele CA382543971.